The following is an entry in ClinVar:

ClinVar aggregate classification (germline): Uncertain significance (1 of 4 stars; one submission).

Conditions:
DICER1-related tumor predisposition. Also called: DICER1-related pleuropulmonary blastoma cancer predisposition syndrome; DICER1 syndrome. Identifiers: Orphanet 284343, MedGen C3839822, MONDO:0100216.

Submission:

Labcorp Genetics (formerly Invitae), Labcorp
Classification: Uncertain significance for DICER1-related tumor predisposition. Last evaluated: 2023-11-08. Review status: criteria provided, single submitter. Criteria: Invitae Variant Classification Sherloc (09022015). Collection method: clinical testing. Allele origin: germline.
Comment: This sequence change falls in intron 2 of the DICER1 gene. It does not directly change the encoded amino acid sequence of the DICER1 protein. It affects a nucleotide within the consensus splice site. This variant is not present in population databases (gnomAD no frequency). This variant has not been reported in the literature in individuals affected with DICER1-related conditions. Variants that disrupt the consensus splice site are a relatively common cause of aberrant splicing (PMID: 17576681, 9536098). Algorithms developed to predict the effect of sequence changes on RNA splicing suggest that this variant is not likely to affect RNA splicing. In summary, the available evidence is currently insufficient to determine the role of this variant in disease. Therefore, it has been classified as a Variant of Uncertain Significance.

Literature cited by the submitters: PubMed 17576681; PubMed 9536098.

NM_177438.3(DICER1):c.145-3T>A

Gene: DICER1 (dicer 1, ribonuclease III; minus strand). Cytogenetic location: 14q32.13.
Variant type: single nucleotide variant.
Coding change: c.145-3T>A on transcript NM_177438.3 (MANE Select); 3 bases into the intron before coding-DNA position 145, T replaced by A.
Molecular consequence: intron variant.
Genome position (GRCh38, 1-based): chr14:95,132,680, A>T on the plus strand (T>A on the coding strand, the complement: DICER1 is on the minus strand). VCF-style: chr14-95132680-A-T. GRCh37 (hg19) VCF-style: chr14-95599017-A-T.
Other names: c.145-3T>A (NM_001395677.1, NM_001395678.1, NM_001291628.2 and 14 more transcripts); c.-130-3T>A (NM_001395690.1, NM_001395687.1, NM_001395689.1 and 4 more transcripts); c.-314-3T>A (NM_001395691.1); c.-1424-3T>A (NM_001395697.1).
Identifiers: ClinVar variation 2768501 (VCV002768501.3), dbSNP rs2543373434, ClinGen allele CA2697554184.